The following is an entry in ClinVar:

ClinVar aggregate classification (germline): Benign/Likely benign. Review status: criteria provided, multiple submitters, no conflicts (2 of 4 stars). 4 submissions from 4 submitters: Benign (1); Likely benign (3). Last evaluated 2026-04-01.

Allele frequency attached by ClinVar (database versions not stated): gnomAD exomes 0.00008 and 0.00025; ExAC 0.00032; gnomAD 0.00076 and 0.00079; TOPMed 0.00085; 1000 Genomes Project 0.00100; 1000 Genomes Project 30x 0.00109; ESP Exome Variant Server 0.00131.
gnomAD v4.1: 246 of 1,614,070 alleles (0.015%); highest among the groups gnomAD compares: African/African-American, 0.29%; no homozygotes.

Submissions (4):

CeGaT Center for Human Genetics Tuebingen
Classification: Likely benign. Last evaluated: 2026-04-01. Review status: criteria provided, single submitter. Criteria: CeGaT Center For Human Genetics Tuebingen Variant Classification Criteria Version 2. Collection method: clinical testing. Allele origin: germline. Affected: yes. Observed: 1 variant allele.
Comment: ANK3: BP4, BP7

Labcorp Genetics (formerly Invitae), Labcorp
Classification: Benign. Last evaluated: 2025-12-16. Review status: criteria provided, single submitter. Criteria: Invitae Variant Classification Sherloc (09022015). Collection method: clinical testing. Allele origin: germline.

Blueprint Genetics
Classification: Likely benign. Last evaluated: 2024-03-07. Review status: criteria provided, single submitter. Criteria: ACMG Guidelines, 2015. Collection method: clinical testing. Allele origin: germline.

Genetic Services Laboratory, University of Chicago
Classification: Likely benign. Last evaluated: 2016-01-11. Review status: criteria provided, single submitter. Criteria: ACMG Guidelines, 2015. Collection method: clinical testing. Allele origin: germline. Affected: no.

NM_020987.5(ANK3):c.7305T>C (p.Tyr2435=)

Gene: ANK3 (ankyrin 3; minus strand). Cytogenetic location: 10q21.2.
Variant type: single nucleotide variant.
Coding change: c.7305T>C on transcript NM_020987.5 (MANE Select); coding-DNA position 7305, T replaced by C.
Protein change: p.Tyr2435=; no amino-acid change (tyrosine 2435 retained).
Molecular consequence: synonymous variant. On other transcripts: intron variant (4).
Genome position (GRCh38, 1-based): chr10:60,073,576, A>G on the plus strand (T>C on the coding strand, the complement: ANK3 is on the minus strand). VCF-style: chr10-60073576-A-G. GRCh37 (hg19) VCF-style: chr10-61833334-A-G.
Other names: c.4388-5567T>C (NM_001204403.2); c.4409-5567T>C (NM_001204404.2); c.4406-5567T>C (NM_001320874.2); c.1808-5567T>C (NM_001149.4).
Identifiers: ClinVar variation 434164 (VCV000434164.18), dbSNP rs115257011, ClinGen allele CA5511731.